The following is an entry in ClinVar:

ClinVar aggregate classification (germline): Pathogenic (1 of 4 stars; one submission).

Submission:

Labcorp Genetics (formerly Invitae), Labcorp
Classification: Pathogenic. Last evaluated: 2023-05-22. Review status: criteria provided, single submitter. Criteria: Invitae Variant Classification Sherloc (09022015). Collection method: clinical testing. Allele origin: germline.
Comment: This sequence change creates a premature translational stop signal (p.Glu127Aspfs*68) in the POLH gene. It is expected to result in an absent or disrupted protein product. Loss-of-function variants in POLH are known to be pathogenic (PMID: 11773631, 24130121, 25256075). This variant is not present in population databases (gnomAD no frequency). This variant has not been reported in the literature in individuals affected with POLH-related conditions. For these reasons, this variant has been classified as Pathogenic.

Literature cited by the submitters: PubMed 11773631; PubMed 24130121; PubMed 25256075.

NM_006502.3(POLH):c.381_384del (p.Glu127fs)

Gene: POLH (DNA polymerase eta; plus strand). Cytogenetic location: 6p21.1.
Variant type: Microsatellite.
Coding change: c.381_384del on transcript NM_006502.3 (MANE Select); coding-DNA positions 381 to 384, 4 bases deleted (GAGA; older notation c.381_384delGAGA).
Protein change: p.Glu127fs; shifts the reading frame from glutamic acid 127.
Molecular consequence: frameshift variant. On other transcripts: intron variant (1).
Genome position (GRCh38, 1-based): chr6:43,587,380-43,587,383, GAGA deleted; deleting any 4 consecutive bases within chr6:43,587,377-43,587,383 gives the same sequence; the c. name uses the placement nearest the transcript's 3' end. VCF-style (leftmost placement, unchanged base first): chr6-43587376-AAGAG-A. GRCh37 (hg19) VCF-style: chr6-43555113-AAGAG-A.
Other names: c.381_384del, p.Glu127fs (NM_001291970.2); c.118+4239_118+4242del (NM_001291969.2); short protein forms E127fs.
Identifiers: ClinVar variation 2871625 (VCV002871625.3), dbSNP rs2532368451, ClinGen allele CA2739273067.